The following is an entry in ClinVar:

ClinVar aggregate classification (germline): Uncertain significance. Review status: criteria provided, multiple submitters, no conflicts (2 of 4 stars). 3 submissions from 3 submitters: Uncertain significance (3). Last evaluated 2025-06-22.

Conditions:
Hereditary cancer-predisposing syndrome. Also called: Tumor predisposition; Neoplastic Syndromes, Hereditary; Hereditary Cancer Syndrome; Hereditary neoplastic syndrome. Identifiers: Orphanet 140162, MedGen C0027672, MeSH D009386, MONDO:0015356.
Fanconi anemia complementation group O. Also called: RAD51C-Related Fanconi Anemia. Identifiers: Orphanet 84, MedGen C3150653, MONDO:0013248, OMIM 613390.

Allele frequency attached by ClinVar (database versions not stated): ExAC 0.00001; gnomAD exomes below 0.00001.

Submissions (3):

Labcorp Genetics (formerly Invitae), Labcorp
Classification: Uncertain significance for Fanconi anemia complementation group O. Last evaluated: 2025-06-22. Review status: criteria provided, single submitter. Criteria: Invitae Variant Classification Sherloc (09022015). Collection method: clinical testing. Allele origin: germline.
Comment: This variant, c.1013_1024del, is a complex sequence change that results in the deletion of 5 and insertion of 1 amino acid(s) in the RAD51C protein (p.Leu338_Lys342delinsGln). This variant is present in population databases (rs780080251, gnomAD 0.003%). This variant has not been reported in the literature in individuals affected with RAD51C-related conditions. ClinVar contains an entry for this variant (Variation ID: 492360). Experimental studies and prediction algorithms are not available or were not evaluated, and the functional significance of this variant is currently unknown. In summary, the available evidence is currently insufficient to determine the role of this variant in disease. Therefore, it has been classified as a Variant of Uncertain Significance.

Ambry Genetics
Classification: Uncertain significance for Hereditary cancer-predisposing syndrome. Last evaluated: 2024-10-15. Review status: criteria provided, single submitter. Criteria: Ambry Variant Classification Scheme 2023. Collection method: clinical testing. Allele origin: germline.
Comment: The c.1013_1024del12 variant (also known as p.L338_K342delinsQ), located in coding exon 8 of the RAD51C gene, results from an in-frame deletion of 12 nucleotides at positions 1013 to 1024. This results in the substitution of the leucine, phenylaline, glutamine, isoleucine and lysine residues for a glutamine residue at codons 338 through 342. These amino acid positions are not well conserved in available vertebrate species. In addition, this alteration is predicted to be deleterious by in silico analysis (Choi Y et al. PLoS ONE. 2012; 7(10):e46688). Since supporting evidence is limited at this time, the clinical significance of this alteration remains unclear.

Color Diagnostics, LLC DBA Color Health
Classification: Uncertain significance for Hereditary cancer-predisposing syndrome. Last evaluated: 2021-09-21. Review status: criteria provided, single submitter. Criteria: ACMG Guidelines, 2015. Collection method: clinical testing. Allele origin: germline.
Comment: This missense variant replaces 5 amino acids at codon 338 to 342 of the RAD51C protein with a glutamine. To our knowledge, functional studies have not been reported for this variant. This variant has not been reported in individuals affected with hereditary cancer in the literature. This variant has been identified in 1/251400 chromosomes in the general population by the Genome Aggregation Database (gnomAD). The available evidence is insufficient to determine the role of this variant in disease conclusively. Therefore, this variant is classified as a Variant of Uncertain Significance.

NM_058216.3(RAD51C):c.1013_1024del (p.Leu338_Lys342delinsGln)

Gene: RAD51C (RAD51 paralog C; plus strand). Cytogenetic location: 17q22.
Variant type: Deletion.
Coding change: c.1013_1024del on transcript NM_058216.3 (MANE Select); coding-DNA positions 1013 to 1024, 12 bases deleted (TGTTTCAAATCA).
Protein change: p.Leu338_Lys342delinsGln.
Molecular consequence: inframe indel. On other transcripts: non-coding transcript variant (1).
Genome position (GRCh38, 1-based): chr17:58,732,531-58,732,542, TGTTTCAAATCA deleted. VCF-style (leftmost placement, unchanged base first): chr17-58732530-CTGTTTCAAATCA-C. GRCh37 (hg19) VCF-style: chr17-56809891-CTGTTTCAAATCA-C.
Other names: c.1013_1024del (NM_058216.2).
Identifiers: ClinVar variation 492360 (VCV000492360.21), dbSNP rs780080251, ClinGen allele CA8677387.